The following is an entry in ClinVar:

NM_004621.6(TRPC6):c.434A>G (p.His145Arg)

Gene: TRPC6 (transient receptor potential cation channel subfamily C member 6; minus strand). Cytogenetic location: 11q22.1.
Variant type: single nucleotide variant.
Coding change: c.434A>G on transcript NM_004621.6 (MANE Select); coding-DNA position 434, A replaced by G.
Protein change: p.His145Arg; replaces histidine 145 with arginine.
Molecular consequence: missense variant.
Genome position (GRCh38, 1-based): chr11:101,504,535, T>C on the plus strand (A>G on the coding strand, the complement: TRPC6 is on the minus strand). VCF-style: chr11-101504535-T-C. GRCh37 (hg19) VCF-style: chr11-101375266-T-C.
Other names: short protein forms H145R.
Identifiers: ClinVar variation 562400 (VCV000562400.3), dbSNP rs1565221486, ClinGen allele CA382450464.
Genomic context (GRCh38, chr11:101,504,535, plus strand): 5'-AAAGCATCCCCAACTCGAGAGAGGTTTTCTTTCTTGAGAAGAAGTTCTGTAATTTCCAGA[T>C]GCTCATTGGCCACTGCCAACTGTAGGGCATTCTGGCCCATGTAATCCACACAGTTAACGT-3'
Protein context (NP_004612.2, residues 135-155): NALQLAVANE[His145Arg]LEITELLLKK

ClinVar aggregate classification (germline): Conflicting classifications of pathogenicity. Review status: criteria provided, conflicting classifications (1 of 4 stars). 3 submissions from 3 submitters: Likely pathogenic (1); Uncertain significance (1). 1 of the submissions does not count toward it. Last evaluated 2022-09-01.

Conditions:
Focal segmental glomerulosclerosis 2 (FSGS2). Identifiers: Orphanet 656, MedGen C1858915, MONDO:0011390, OMIM 603965.
Kidney failure. Identifiers: MedGen C0035078, MONDO:0001106.

Submissions (3):

3billion
Classification: Uncertain significance for Focal segmental glomerulosclerosis 2. Last evaluated: 2022-09-01. Review status: criteria provided, single submitter. Criteria: ACMG Guidelines, 2015. Collection method: clinical testing. Allele origin: germline. Affected: yes. Observed: 1 heterozygote.
Comment: The variant is not observed in the gnomAD v2.1.1 dataset. Missense changes are a common disease-causing mechanism. Same nucleotide change resulting in same amino acid change has been previously reported to be associated with TRPC6-related disorder (ClinVar ID: VCV000562400). However, the evidence of pathogenicity is insufficient at this time. Therefore, this variant is classified as uncertain significance according to the recommendation of ACMG/AMP guideline.

AURAGEN, Plan France Médecine Génomique
Classification: Likely pathogenic for Kidney failure. Last evaluated: 2022-07-13. Review status: criteria provided, single submitter. Criteria: PFMG2025 (Lancet Reg Health Eur. 2025). Collection method: clinical testing. Allele origin: germline. Affected: yes.

Gharavi Laboratory, Columbia University
Classification: Likely pathogenic. Last evaluated: 2018-09-16. Review status: no assertion criteria provided. Criteria: ACMG Guidelines, 2015. Collection method: research. Allele origin: germline. Affected: yes. Not counted in ClinVar's aggregate classification.